The following is an entry in ClinVar:

NC_000006.11:g.(135732683_135748304)_(135751139_135752345)del

Gene: AHI1 (Abelson helper integration site 1; minus strand). Cytogenetic location: 6q23.3.
Variant type: Deletion.
Identifiers: ClinVar variation 3366415 (VCV003366415.1).

ClinVar aggregate classification (germline): Pathogenic (1 of 4 stars; one submission).

Conditions:
Joubert syndrome and related disorders. Identifiers: Orphanet 140874, MedGen C5679612, MONDO:0015369.

Submission:

Women's Health and Genetics/Laboratory Corporation of America, LabCorp
Classification: Pathogenic for Joubert syndrome and related disorders. Last evaluated: 2024-08-07. Review status: criteria provided, single submitter. Criteria: LabCorp Variant Classification Summary - May 2015. Collection method: clinical testing. Allele origin: germline.
Comment: Variant summary: The variant involves the deletion of exons 17-19 in the AHI1 gene. A presumed nomenclature of c.(2373+1_2374-1)_(2764+1_2765-1)del has been designated for the purposes of this classification. This Copy Number Variant (CNV) is expected to alter the reading frame and predicted to result in a truncation or absence of the encoded protein due to nonsense mediated decay (NMD). The variant was absent in 21120 control chromosomes. To our knowledge, no occurrence of c.(2373+1_2374-1)_(2764+1_2765-1)del in individuals affected with Joubert Syndrome And Related Disorders and no experimental evidence demonstrating its impact on protein function have been reported. No submitters have cited clinical-significance assessments for this variant to ClinVar. Based on the evidence outlined above, the variant was classified as pathogenic.